The following is an entry in ClinVar:

NM_017849.4(TMEM127):c.*760dup

Gene: TMEM127 (transmembrane protein 127; minus strand). Cytogenetic location: 2q11.2.
Variant type: Duplication.
Coding change: c.*760dup on transcript NM_017849.4 (MANE Select); 760 bases downstream of the stop codon, one base duplicated (A; older notation c.*760dupA).
Molecular consequence: 3 prime UTR variant.
Genome position (GRCh38, 1-based): chr2:96,253,048, T duplicated on the plus strand (A on the coding strand, the reverse complement: TMEM127 is on the minus strand); the first of 7 consecutive T bases (chr2:96,253,048-96,253,054); duplicating any one gives the same sequence. VCF-style (leftmost placement, unchanged base first): chr2-96253047-A-AT. GRCh37 (hg19) VCF-style: chr2-96918785-A-AT.
Other names: c.*760dup (NM_001193304.3).
Identifiers: ClinVar variation 337492 (VCV000337492.33), dbSNP rs371530522, ClinGen allele CA10614176.

ClinVar aggregate classification (germline): Benign (1 of 4 stars; one submission).

Submission:

CeGaT Center for Human Genetics Tuebingen
Classification: Benign. Last evaluated: 2023-05-01. Review status: criteria provided, single submitter. Criteria: CeGaT Center For Human Genetics Tuebingen Variant Classification Criteria Version 2. Collection method: clinical testing. Allele origin: germline. Affected: yes. Observed: 3 variant alleles.
Comment: TMEM127: BS1, BS2